The following is an entry in ClinVar:

NM_000260.4(MYO7A):c.2500del (p.Arg834fs)

Gene: MYO7A (myosin VIIA; plus strand). Cytogenetic location: 11q13.5.
Variant type: Deletion.
Coding change: c.2500del on transcript NM_000260.4 (MANE Select); coding-DNA position 2500, one base deleted (C; older notation c.2500delC).
Protein change: p.Arg834fs; shifts the reading frame from arginine 834.
Molecular consequence: frameshift variant.
Genome position (GRCh38, 1-based): chr11:77,179,867, C deleted; the last of 2 consecutive C bases (chr11:77,179,866-77,179,867); deleting either gives the same sequence. VCF-style (leftmost placement, unchanged base first): chr11-77179865-TC-T. GRCh37 (hg19) VCF-style: chr11-76890911-TC-T.
Other names: c.2500del, p.Arg834fs (NM_001127180.2); c.2467del, p.Arg823fs (NM_001369365.1); short protein forms R823fs, R834fs.
Identifiers: ClinVar variation 2735705 (VCV002735705.3), dbSNP rs2497176796, ClinGen allele CA2695215041.

ClinVar aggregate classification (germline): Pathogenic (1 of 4 stars; one submission).

Submission:

Labcorp Genetics (formerly Invitae), Labcorp
Classification: Pathogenic. Last evaluated: 2023-02-26. Review status: criteria provided, single submitter. Criteria: Invitae Variant Classification Sherloc (09022015). Collection method: clinical testing. Allele origin: germline.
Comment: For these reasons, this variant has been classified as Pathogenic. This premature translational stop signal has been observed in individual(s) with Usher syndrome (PMID: 15660226). This variant is not present in population databases (gnomAD no frequency). This sequence change creates a premature translational stop signal (p.Arg834Alafs*17) in the MYO7A gene. It is expected to result in an absent or disrupted protein product. Loss-of-function variants in MYO7A are known to be pathogenic (PMID: 8900236, 25404053).

Literature cited by the submitters: PubMed 15660226; PubMed 8900236; PubMed 25404053.